The following is an entry in ClinVar:

ClinVar aggregate classification (germline): Uncertain significance (1 of 4 stars; one submission).

Conditions:
Primary ciliary dyskinesia 27. Also called: CILIARY DYSKINESIA, PRIMARY, 27, WITHOUT SITUS INVERSUS. Identifiers: Orphanet 244, MedGen C3809701, MONDO:0014215, OMIM 615504.

Allele frequency attached by ClinVar (database versions not stated): gnomAD exomes below 0.00001.
gnomAD v4.1: 3 of 1,614,192 alleles (0.00019%); highest among the groups gnomAD compares: Non-Finnish European, 0.00025%; no homozygotes.

Submission:

Labcorp Genetics (formerly Invitae), Labcorp
Classification: Uncertain significance for Primary ciliary dyskinesia 27. Last evaluated: 2021-06-26. Review status: criteria provided, single submitter. Criteria: Invitae Variant Classification Sherloc (09022015). Collection method: clinical testing. Allele origin: germline.
Comment: In summary, the available evidence is currently insufficient to determine the role of this variant in disease. Therefore, it has been classified as a Variant of Uncertain Significance. Algorithms developed to predict the effect of missense changes on protein structure and function (SIFT, PolyPhen-2, Align-GVGD) all suggest that this variant is likely to be tolerated, but these predictions have not been confirmed by published functional studies and their clinical significance is uncertain. This variant has not been reported in the literature in individuals with CCDC65-related conditions. This variant is not present in population databases (ExAC no frequency). This sequence change replaces methionine with valine at codon 196 of the CCDC65 protein (p.Met196Val). The methionine residue is moderately conserved and there is a small physicochemical difference between methionine and valine.

NM_033124.5(DRC2):c.586A>G (p.Met196Val)

Gene: DRC2 (dynein regulatory complex subunit 2; plus strand). Cytogenetic location: 12q13.12.
Variant type: single nucleotide variant.
Coding change: c.586A>G on transcript NM_033124.5 (MANE Select); coding-DNA position 586, A replaced by G.
Protein change: p.Met196Val; replaces methionine 196 with valine.
Molecular consequence: missense variant.
Genome position (GRCh38, 1-based): chr12:48,917,085, A>G. VCF-style: chr12-48917085-A-G. GRCh37 (hg19) VCF-style: chr12-49310868-A-G.
Other names: c.157A>G, p.Met53Val (NM_001286957.2); short protein forms M196V, M53V.
Identifiers: ClinVar variation 1512194 (VCV001512194.8), dbSNP rs1213698808, ClinGen allele CA384628818.